The following is an entry in ClinVar:

NM_002691.4(POLD1):c.202+5G>T

Gene: POLD1 (DNA polymerase delta 1, catalytic subunit; plus strand). Cytogenetic location: 19q13.33.
Variant type: single nucleotide variant.
Coding change: c.202+5G>T on transcript NM_002691.4 (MANE Select); 5 bases into the intron after coding-DNA position 202, G replaced by T.
Molecular consequence: intron variant.
Genome position (GRCh38, 1-based): chr19:50,399,058, G>T. VCF-style: chr19-50399058-G-T. GRCh37 (hg19) VCF-style: chr19-50902315-G-T.
Other names: c.202+5G>T (NM_001256849.1, NM_001308632.1).
Identifiers: ClinVar variation 3660051 (VCV003660051.2).

ClinVar aggregate classification (germline): Uncertain significance (1 of 4 stars; one submission).

Conditions:
POLD1-related polyposis and colorectal cancer syndrome (CRCS10). Also called: Colorectal cancer 10; COLORECTAL CANCER, SUSCEPTIBILITY TO, ON CHROMOSOME 19q; Colorectal cancer, susceptibility to, 10. Identifiers: Orphanet 220460, MedGen C2675481, MONDO:0012953, OMIM 612591.

Submission:

Labcorp Genetics (formerly Invitae), Labcorp
Classification: Uncertain significance for POLD1-related polyposis and colorectal cancer syndrome. Last evaluated: 2024-07-21. Review status: criteria provided, single submitter. Criteria: Invitae Variant Classification Sherloc (09022015). Collection method: clinical testing. Allele origin: germline.
Comment: This sequence change falls in intron 2 of the POLD1 gene. It does not directly change the encoded amino acid sequence of the POLD1 protein. It affects a nucleotide within the consensus splice site. The frequency data for this variant in the population databases is considered unreliable, as metrics indicate poor data quality at this position in the gnomAD database. This variant has not been reported in the literature in individuals affected with POLD1-related conditions. Variants that disrupt the consensus splice site are a relatively common cause of aberrant splicing (PMID: 17576681, 9536098). Algorithms developed to predict the effect of sequence changes on RNA splicing suggest that this variant may disrupt the consensus splice site. In summary, the available evidence is currently insufficient to determine the role of this variant in disease. Therefore, it has been classified as a Variant of Uncertain Significance.

Literature cited by the submitters: PubMed 17576681; PubMed 9536098.